The following is an entry in ClinVar:

NM_001040108.2(MLH3):c.839A>G (p.Lys280Arg)

Gene: MLH3 (mutL homolog 3; minus strand). Cytogenetic location: 14q24.3.
Variant type: single nucleotide variant.
Coding change: c.839A>G on transcript NM_001040108.2 (MANE Select); coding-DNA position 839, A replaced by G.
Protein change: p.Lys280Arg; replaces lysine 280 with arginine.
Molecular consequence: missense variant.
Genome position (GRCh38, 1-based): chr14:75,048,817, T>C on the plus strand (A>G on the coding strand, the complement: MLH3 is on the minus strand). VCF-style: chr14-75048817-T-C. GRCh37 (hg19) VCF-style: chr14-75515520-T-C.
Other names: c.839A>G, p.Lys280Arg (NM_014381.3); short protein forms K280R.
Identifiers: ClinVar variation 3295115 (VCV003295115.1).

ClinVar aggregate classification (germline): Uncertain significance (1 of 4 stars; one submission).

Submission:

Ambry Genetics
Classification: Uncertain significance. Last evaluated: 2024-04-22. Review status: criteria provided, single submitter. Criteria: Ambry Variant Classification Scheme 2023. Collection method: clinical testing. Allele origin: germline.
Comment: The p.K280R variant (also known as c.839A>G), located in coding exon 1 of the MLH3 gene, results from an A to G substitution at nucleotide position 839. The lysine at codon 280 is replaced by arginine, an amino acid with highly similar properties. This amino acid position is conserved. In addition, this alteration is predicted to be tolerated by in silico analysis. Based on the available evidence, the clinical significance of this variant remains unclear.